The following is an entry in ClinVar:

ClinVar aggregate classification (germline): Pathogenic. Review status: criteria provided, multiple submitters, no conflicts (2 of 4 stars). 2 submissions from 2 submitters: Pathogenic (2). Last evaluated 2025-03-29.

Conditions:
PMM2-congenital disorder of glycosylation. Also called: JAEKEN SYNDROME; PHOSPHOMANNOMUTASE 2 DEFICIENCY; CARBOHYDRATE-DEFICIENT GLYCOPROTEIN SYNDROME, TYPE Ia; Congenital disorder of glycosylation, type Ia; CDG Ia; PMM2-CDG. Identifiers: Orphanet 79318, MedGen C0349653, MONDO:0008907, OMIM 212065.

Allele frequency attached by ClinVar (database versions not stated): gnomAD 0.00001.
gnomAD v4.1: 2 of 1,613,506 alleles (0.00012%); highest among the groups gnomAD compares: Non-Finnish European, 0.00017%; no homozygotes.

Submissions (2):

Natera, Inc.
Classification: Pathogenic for Congenital disorder of glycosylation type 1a. Last evaluated: 2025-03-29. Review status: criteria provided, single submitter. Criteria: Natera Variant Classification Schema (03/2026). Collection method: clinical testing. Allele origin: germline.
Comment: The c.715A>T variant in PMM2 is a missense variant predicted to cause substitution of arginine to tryptophan at amino acid 239. This variant is rare in the general population with a frequency below the threshold expected for the associated phenotype(s). This variant has been observed in one or more individuals affected with the associated recessive disease, as either homozygous or compound heterozygous with a second variant (PMID: 28425223, 11156536, 39216211, 37245379). This variant has been observed to segregate in affected family members (PMID: 28425223, 11156536). This variant has been identified in one or more affected individual with a phenotype highly consistent with the associated gene (PMID: 11156536, 37245379). Computational prediction algorithms indicate this variant is likely to affect gene or protein function. Given the available evidence, this variant is classified as Pathogenic.

Labcorp Genetics (formerly Invitae), Labcorp
Classification: Pathogenic for PMM2-congenital disorder of glycosylation. Last evaluated: 2022-03-10. Review status: criteria provided, single submitter. Criteria: Invitae Variant Classification Sherloc (09022015). Collection method: clinical testing. Allele origin: germline.
Comment: This sequence change replaces arginine, which is basic and polar, with tryptophan, which is neutral and slightly polar, at codon 239 of the PMM2 protein (p.Arg239Trp). This variant is present in population databases (no rsID available, gnomAD 0.01%). This missense change has been observed in individual(s) with congenital disorder of glycosylation type 1a (PMID: 11156536, 28425223). In at least one individual the data is consistent with being in trans (on the opposite chromosome) from a pathogenic variant. It has also been observed to segregate with disease in related individuals. Algorithms developed to predict the effect of missense changes on protein structure and function are either unavailable or do not agree on the potential impact of this missense change (SIFT: "Deleterious"; PolyPhen-2: "Possibly Damaging"; Align-GVGD: "Class C15"). For these reasons, this variant has been classified as Pathogenic.

Literature cited by the submitters: PubMed 28425223 (cited by Natera, Inc. and Labcorp Genetics (formerly Invitae), Labcorp); PubMed 11156536 (cited by Natera, Inc. and Labcorp Genetics (formerly Invitae), Labcorp); PubMed 39216211 (cited by Natera, Inc.); PubMed 37245379 (cited by Natera, Inc.).

NM_000303.3(PMM2):c.715A>T (p.Arg239Trp)

Gene: PMM2 (phosphomannomutase 2; plus strand). Cytogenetic location: 16p13.2.
Variant type: single nucleotide variant.
Coding change: c.715A>T on transcript NM_000303.3 (MANE Select); coding-DNA position 715, A replaced by T.
Protein change: p.Arg239Trp; replaces arginine 239 with tryptophan.
Molecular consequence: missense variant.
Genome position (GRCh38, 1-based): chr16:8,847,799, A>T. VCF-style: chr16-8847799-A-T. GRCh37 (hg19) VCF-style: chr16-8941656-A-T.
Other names: c.715A>T (NM_000303.2); short protein forms R239W.
Identifiers: ClinVar variation 2137782 (VCV002137782.5), dbSNP rs1238472629, ClinGen allele CA394689675.